The following is an entry in ClinVar:

ClinVar aggregate classification (germline): Uncertain significance (1 of 4 stars; one submission).

Conditions:
Fanconi anemia (FA). Also called: Fanconi's anemia. Identifiers: Orphanet 84, MedGen C0015625, MeSH D005199, MONDO:0019391.

Submission:

Labcorp Genetics (formerly Invitae), Labcorp
Classification: Uncertain significance for Fanconi anemia. Last evaluated: 2021-03-25. Review status: criteria provided, single submitter. Criteria: Invitae Variant Classification Sherloc (09022015). Collection method: clinical testing. Allele origin: germline.
Comment: In summary, the available evidence is currently insufficient to determine the role of this variant in disease. Therefore, it has been classified as a Variant of Uncertain Significance. Advanced modeling of protein sequence and biophysical properties (such as structural, functional, and spatial information, amino acid conservation, physicochemical variation, residue mobility, and thermodynamic stability) performed at Invitae indicates that this missense variant is not expected to disrupt FANCA protein function. This variant has not been reported in the literature in individuals with FANCA-related conditions. This variant is not present in population databases (ExAC no frequency). This sequence change replaces valine with glutamic acid at codon 1180 of the FANCA protein (p.Val1180Glu). The valine residue is moderately conserved and there is a moderate physicochemical difference between valine and glutamic acid.

NM_000135.4(FANCA):c.3539T>A (p.Val1180Glu)

Gene: FANCA (FA complementation group A; minus strand). Cytogenetic location: 16q24.3.
Variant type: single nucleotide variant.
Coding change: c.3539T>A on transcript NM_000135.4 (MANE Select); coding-DNA position 3539, T replaced by A.
Protein change: p.Val1180Glu; replaces valine 1180 with glutamic acid.
Molecular consequence: missense variant.
Genome position (GRCh38, 1-based): chr16:89,745,046, A>T on the plus strand (T>A on the coding strand, the complement: FANCA is on the minus strand). VCF-style: chr16-89745046-A-T. GRCh37 (hg19) VCF-style: chr16-89811454-A-T.
Other names: c.3539T>A, p.Val1180Glu (NM_001286167.3); short protein forms V1180E.
Identifiers: ClinVar variation 1523856 (VCV001523856.8), dbSNP rs2143088182, ClinGen allele CA397485744.